The following is an entry in ClinVar:

ClinVar aggregate classification (germline): Uncertain significance. Review status: criteria provided, multiple submitters, no conflicts (2 of 4 stars). 3 submissions from 3 submitters: Uncertain significance (2). 1 of the submissions does not count toward it. Last evaluated 2024-08-22.

Conditions:
Retinal dystrophy. Also called: Inherited retinal dystrophy. Identifiers: Orphanet 71862, MedGen C0854723, MeSH D058499, MONDO:0019118, HP:0000556.

Allele frequency attached by ClinVar (database versions not stated): ExAC 0.00014; ESP Exome Variant Server 0.00015; TOPMed 0.00015; gnomAD 0.00018; gnomAD exomes 0.00021 and 0.00033.
gnomAD v4.1: 507 of 1,614,178 alleles (0.031%); highest among the groups gnomAD compares: Non-Finnish European, 0.04%; no homozygotes.

Submissions (3):

Blueprint Genetics
Classification: Uncertain significance. Last evaluated: 2024-08-22. Review status: criteria provided, single submitter. Criteria: ACMG Guidelines, 2015. Collection method: clinical testing. Allele origin: germline.

Labcorp Genetics (formerly Invitae), Labcorp
Classification: Uncertain significance. Last evaluated: 2022-09-06. Review status: criteria provided, single submitter. Criteria: Invitae Variant Classification Sherloc (09022015). Collection method: clinical testing. Allele origin: germline.
Comment: This sequence change replaces glutamic acid, which is acidic and polar, with alanine, which is neutral and non-polar, at codon 650 of the CNGA3 protein (p.Glu650Ala). This variant is present in population databases (rs139368657, gnomAD 0.04%). This variant has not been reported in the literature in individuals affected with CNGA3-related conditions. ClinVar contains an entry for this variant (Variation ID: 337668). Advanced modeling of protein sequence and biophysical properties (such as structural, functional, and spatial information, amino acid conservation, physicochemical variation, residue mobility, and thermodynamic stability) performed at Invitae indicates that this missense variant is expected to disrupt CNGA3 protein function. In summary, the available evidence is currently insufficient to determine the role of this variant in disease. Therefore, it has been classified as a Variant of Uncertain Significance.

Institute of Human Genetics, Univ. Regensburg, Univ. Regensburg
Classification: Uncertain significance for Retinal dystrophy. Last evaluated: 2022-01-01. Review status: no assertion criteria provided. Criteria: ACMG Guidelines, 2015. Collection method: clinical testing. Allele origin: germline. Affected: yes. Not counted in ClinVar's aggregate classification.

NM_001298.3(CNGA3):c.1949A>C (p.Glu650Ala)

Gene: CNGA3 (cyclic nucleotide gated channel subunit alpha 3; plus strand). Cytogenetic location: 2q11.2.
Variant type: single nucleotide variant.
Coding change: c.1949A>C on transcript NM_001298.3 (MANE Select); coding-DNA position 1949, A replaced by C.
Protein change: p.Glu650Ala; replaces glutamic acid 650 with alanine.
Molecular consequence: missense variant.
Genome position (GRCh38, 1-based): chr2:98,397,119, A>C. VCF-style: chr2-98397119-A-C. GRCh37 (hg19) VCF-style: chr2-99013582-A-C.
Other names: c.1895A>C, p.Glu632Ala (NM_001079878.2); short protein forms E650A, E632A.
Identifiers: ClinVar variation 337668 (VCV000337668.11), dbSNP rs139368657, ClinGen allele CA1794120.